The following is an entry in ClinVar:

ClinVar aggregate classification (germline): Uncertain significance (1 of 4 stars; one submission).

Conditions:
Gastrointestinal stromal tumor. Also called: Gastrointestinal stroma tumor; Gastrointestinal stromal tumor, somatic. Identifiers: Orphanet 44890, MedGen C0238198, MeSH D046152, MONDO:0011719, OMIM 606764, HP:0100723.

Submission:

Labcorp Genetics (formerly Invitae), Labcorp
Classification: Uncertain significance for Gastrointestinal stromal tumor. Last evaluated: 2023-05-24. Review status: criteria provided, single submitter. Criteria: Invitae Variant Classification Sherloc (09022015). Collection method: clinical testing. Allele origin: germline.
Comment: In summary, the available evidence is currently insufficient to determine the role of this variant in disease. Therefore, it has been classified as a Variant of Uncertain Significance. Experimental studies and prediction algorithms are not available or were not evaluated, and the functional significance of this variant is currently unknown. ClinVar contains an entry for this variant (Variation ID: 1975032). This variant has not been reported in the literature in individuals affected with PDGFRA-related conditions. Information on the frequency of this variant in the gnomAD database is not available, as this variant may be reported differently in the database. This sequence change replaces phenylalanine, which is neutral and non-polar, with isoleucine, which is neutral and non-polar, at codon 314 of the PDGFRA protein (p.Phe314Ile).

NM_006206.6(PDGFRA):c.939_940delinsGA (p.Phe314Ile)

Gene: PDGFRA (platelet derived growth factor receptor alpha; plus strand). Cytogenetic location: 4q12.
Variant type: Indel.
Coding change: c.939_940delinsGA on transcript NM_006206.6 (MANE Select); coding-DNA positions 939 to 940, TT replaced by GA.
Protein change: p.Phe314Ile; replaces phenylalanine 314 with isoleucine.
Molecular consequence: missense variant.
Genome position (GRCh38, 1-based): chr4:54,267,559-54,267,560, TT replaced by GA. VCF-style: chr4-54267559-TT-GA. GRCh37 (hg19) VCF-style: chr4-55133726-TT-GA.
Other names: c.939_940delinsGA, p.Phe314Ile (NM_001347827.2, NM_001347829.2); c.1014_1015delinsGA, p.Phe339Ile (NM_001347828.2); c.978_979delinsGA, p.Phe327Ile (NM_001347830.2); short protein forms F327I, F314I, F339I.
Identifiers: ClinVar variation 1975032 (VCV001975032.5), dbSNP rs2475455083, ClinGen allele CA2580071257.
Genomic context (GRCh38, chr4:54,267,559, plus strand): 5'-CTCGGGATCCATATGTGGTAATCATTATTTAATGGAAACTCTTCCCTGTACAGAGAAAGG[TT>GA]TCATTGAAATCAAACCCACCTTCAGCCAGTTGGAAGCTGTCAACCTGCATGAAGTCAAAC-3'
Protein context (NP_006197.1, residues 304-324): KVTISVHEKG[Phe314Ile]IEIKPTFSQL